The following is an entry in ClinVar:

NM_000283.4(PDE6B):c.1064G>C (p.Cys355Ser)

Gene: PDE6B (phosphodiesterase 6B; plus strand). Cytogenetic location: 4p16.3.
Variant type: single nucleotide variant.
Coding change: c.1064G>C on transcript NM_000283.4 (MANE Select); coding-DNA position 1064, G replaced by C.
Protein change: p.Cys355Ser; replaces cysteine 355 with serine.
Molecular consequence: missense variant. On other transcripts: intron variant (1).
Genome position (GRCh38, 1-based): chr4:656,249, G>C. VCF-style: chr4-656249-G-C. GRCh37 (hg19) VCF-style: chr4-650038-G-C.
Other names: c.1064G>C, p.Cys355Ser (NM_001145291.2); c.227G>C, p.Cys76Ser (NM_001145292.2, NM_001350154.3, NM_001379246.1 and 1 more transcripts); c.-48-625G>C (NM_001350155.3); short protein forms C355S, C76S.
Identifiers: ClinVar variation 3210765 (VCV003210765.3), dbSNP rs763303621, ClinGen allele CA2794331.

ClinVar aggregate classification (germline): Uncertain significance. Review status: criteria provided, multiple submitters, no conflicts (2 of 4 stars). 2 submissions from 2 submitters: Uncertain significance (2). Last evaluated 2025-11-23.

Conditions:
Inborn genetic diseases. Identifiers: MedGen C0950123, MeSH D030342.

Allele frequency attached by ClinVar (database versions not stated): gnomAD exomes below 0.00001; ExAC 0.00001; gnomAD 0.00003; TOPMed 0.00003.

Submissions (2):

Labcorp Genetics (formerly Invitae), Labcorp
Classification: Uncertain significance. Last evaluated: 2025-11-23. Review status: criteria provided, single submitter. Criteria: Invitae Variant Classification Sherloc (09022015). Collection method: clinical testing. Allele origin: germline.
Comment: This sequence change replaces cysteine, which is neutral and slightly polar, with serine, which is neutral and polar, at codon 355 of the PDE6B protein (p.Cys355Ser). This variant is present in population databases (rs763303621, gnomAD 0.01%). This variant has not been reported in the literature in individuals affected with PDE6B-related conditions. ClinVar contains an entry for this variant (Variation ID: 3210765). Invitae Evidence Modeling of protein sequence and biophysical properties (such as structural, functional, and spatial information, amino acid conservation, physicochemical variation, residue mobility, and thermodynamic stability) has been performed for this missense variant. However, the output from this modeling did not meet the statistical confidence thresholds required to predict the impact of this variant on PDE6B protein function. In summary, the available evidence is currently insufficient to determine the role of this variant in disease. Therefore, it has been classified as a Variant of Uncertain Significance.

Ambry Genetics
Classification: Uncertain significance for Inborn genetic diseases. Last evaluated: 2023-12-08. Review status: criteria provided, single submitter. Criteria: Ambry Variant Classification Scheme 2023. Collection method: clinical testing. Allele origin: germline.